The following is an entry in ClinVar:

ClinVar aggregate classification (germline): Uncertain significance. Review status: criteria provided, multiple submitters, no conflicts (2 of 4 stars). 2 submissions from 2 submitters: Uncertain significance (2). Last evaluated 2024-04-22.

Allele frequency attached by ClinVar (database versions not stated): gnomAD exomes 0.00005; ExAC 0.00006; gnomAD 0.00011; TOPMed 0.00018; ESP Exome Variant Server 0.00034.
gnomAD v4.1: 37 of 1,602,708 alleles (0.0023%); highest among the groups gnomAD compares: African/African-American, 0.043%; no homozygotes.

Submissions (2):

Labcorp Genetics (formerly Invitae), Labcorp
Classification: Uncertain significance. Last evaluated: 2024-04-22. Review status: criteria provided, single submitter. Criteria: Invitae Variant Classification Sherloc (09022015). Collection method: clinical testing. Allele origin: germline.
Comment: This sequence change replaces serine, which is neutral and polar, with alanine, which is neutral and non-polar, at codon 1734 of the RTTN protein (p.Ser1734Ala). This variant is present in population databases (rs111886844, gnomAD 0.06%). This variant has not been reported in the literature in individuals affected with RTTN-related conditions. ClinVar contains an entry for this variant (Variation ID: 212083). Advanced modeling of protein sequence and biophysical properties (such as structural, functional, and spatial information, amino acid conservation, physicochemical variation, residue mobility, and thermodynamic stability) performed at Invitae indicates that this missense variant is not expected to disrupt RTTN protein function with a negative predictive value of 80%. In summary, the available evidence is currently insufficient to determine the role of this variant in disease. Therefore, it has been classified as a Variant of Uncertain Significance.

Genetic Services Laboratory, University of Chicago
Classification: Uncertain significance. Last evaluated: 2015-07-07. Review status: criteria provided, single submitter. Criteria: ACMG Guidelines, 2015. Collection method: clinical testing. Allele origin: germline.

NM_173630.4(RTTN):c.5200T>G (p.Ser1734Ala)

Gene: RTTN (rotatin; minus strand). Cytogenetic location: 18q22.2.
Variant type: single nucleotide variant.
Coding change: c.5200T>G on transcript NM_173630.4 (MANE Select); coding-DNA position 5200, T replaced by G.
Protein change: p.Ser1734Ala; replaces serine 1734 with alanine.
Molecular consequence: missense variant.
Genome position (GRCh38, 1-based): chr18:70,051,534, A>C on the plus strand (T>G on the coding strand, the complement: RTTN is on the minus strand). VCF-style: chr18-70051534-A-C. GRCh37 (hg19) VCF-style: chr18-67718770-A-C.
Other names: c.2464T>G, p.Ser822Ala (NM_001318520.2); short protein forms S1734A, S822A.
Identifiers: ClinVar variation 212083 (VCV000212083.9), dbSNP rs111886844, ClinGen allele CA209511.
Genomic context (GRCh38, chr18:70,051,534, plus strand): 5'-CTTTCCTCAGGAGCATGGCCAGAAGATTAAATAAATGTGTCCATGTGTGATAAAAAGCTG[A>C]TATTAACTCTTTATCTATAAAATTAATCAAAACACTTCAAGTTATTAACACAAAGAAGGA-3'
Protein context (NP_775901.3, residues 1724-1744): TKDVLDKELI[Ser1734Ala]AFYHTWTHLF